The following is an entry in ClinVar:

ClinVar aggregate classification (germline): Pathogenic. Review status: criteria provided, multiple submitters, no conflicts (2 of 4 stars). 3 submissions from 3 submitters: Pathogenic (3). Last evaluated 2026-09-01.

Conditions:
GPIHBP1-related disorder. Also called: GPIHBP1-related condition.
Cardiovascular phenotype. Identifiers: MedGen CN230736.

Allele frequency attached by ClinVar (database versions not stated): gnomAD exomes 0.00001; ExAC 0.00002; TOPMed 0.00002; gnomAD 0.00003.
gnomAD v4.1: 14 of 1,612,586 alleles (0.00087%); highest among the groups gnomAD compares: Non-Finnish European, 0.0012%; no homozygotes.

Submissions (3):

PreventionGenetics, part of Exact Sciences
Classification: Pathogenic for GPIHBP1-related condition. Last evaluated: 2026-09-01. Review status: criteria provided, single submitter. Criteria: ACMG Guidelines, 2015. Collection method: clinical testing. Allele origin: germline.
Comment: The GPIHBP1 c.267C>A variant is predicted to result in premature protein termination (p.Cys89*). This variant has been reported in both the homozygous state and compound heterozygous state in individuals with chylomicronemia syndrome presenting with severe hypertriglyceridemia and acute pancreatitis (Ahmad and Wilson. 2014. PubMed ID: 25499947; Rabacchi et al. 2016. PubMed ID: 27578123; Beigneux et al. 2017. PubMed ID: 28402248). In vitro experimental studies using plasma samples from homozygous individuals suggest this variant results in severely reduced GPIHBP1 protein levels and low plasma lipoprotein lipase levels (Beigneux et al. 2017. PubMed ID: 28402248). This variant is reported in 0.0018% of alleles in individuals of European (non-Finnish) descent in gnomAD. Nonsense variants in GPIHBP1 are expected to be pathogenic. This variant is interpreted as pathogenic.

Ambry Genetics
Classification: Pathogenic for Cardiovascular phenotype. Last evaluated: 2025-07-24. Review status: criteria provided, single submitter. Criteria: Ambry Variant Classification Scheme 2023. Collection method: clinical testing. Allele origin: germline.
Comment: The p.C89* pathogenic mutation (also known as c.267C>A), located in coding exon 3 of the GPIHBP1 gene, results from a C to A substitution at nucleotide position 267. This changes the amino acid from a cysteine to a stop codon within coding exon 3. This variant has been identified in the homozygous state and/or in conjunction with other GPIHBP1 variant(s) in individual(s) with features consistent with chylomicronemia syndrome; in at least one instance, the variants were identified in trans (Ahmad Z et al. J Clin Lipidol, 2014 Sep;8:635-639; Rabacchi C et al. J Clin Lipidol, 2016 Mar;10:915-921.e4; Beigneux AP et al. N Engl J Med, 2017 Apr;376:1647-1658). This variant is considered to be rare based on population cohorts in the Genome Aggregation Database (gnomAD). This alteration is expected to result in loss of function by premature protein truncation or nonsense-mediated mRNA decay. As such, this alteration is interpreted as a disease-causing mutation.

AiLife Diagnostics
Classification: Pathogenic. Last evaluated: 2022-02-21. Review status: criteria provided, single submitter. Criteria: ACMG Guidelines, 2015. Collection method: clinical testing. Allele origin: germline. Affected: yes. Observed: 1 variant allele.

Literature cited by the submitters: PubMed 25499947 (cited by Ambry Genetics and AiLife Diagnostics); PubMed 27578123 (cited by Ambry Genetics and AiLife Diagnostics); PubMed 28402248 (cited by Ambry Genetics); PubMed 32041611 (cited by AiLife Diagnostics).

NM_178172.6(GPIHBP1):c.267C>A (p.Cys89Ter)

Gene: GPIHBP1 (glycosylphosphatidylinositol anchored high density lipoprotein binding protein 1; plus strand). Cytogenetic location: 8q24.3.
Variant type: single nucleotide variant.
Coding change: c.267C>A on transcript NM_178172.6 (MANE Select); coding-DNA position 267, C replaced by A.
Protein change: p.Cys89Ter; replaces cysteine 89 with a stop codon.
Molecular consequence: nonsense.
Genome position (GRCh38, 1-based): chr8:143,215,098, C>A. VCF-style: chr8-143215098-C-A. GRCh37 (hg19) VCF-style: chr8-144296973-C-A.
Other names: c.267C>A (NM_178172.5, NM_178172.3); c.267C>A, p.Cys89Ter (NM_001301772.2); short protein forms C89*.
Identifiers: ClinVar variation 1677951 (VCV001677951.3), dbSNP rs776388699, ClinGen allele CA4907061.